The following is an entry in ClinVar:

NM_001723.7(DST):c.5839G>A (p.Glu1947Lys)

Gene: DST (dystonin; minus strand). Cytogenetic location: 6p12.1.
Variant type: single nucleotide variant.
Coding change: c.5839G>A on transcript NM_001723.7 (MANE Plus Clinical); coding-DNA position 5839, G replaced by A.
Protein change: p.Glu1947Lys; replaces glutamic acid 1947 with lysine.
Molecular consequence: missense variant. On other transcripts: intron variant (10).
Genome position (GRCh38, 1-based): chr6:56,618,195, C>T on the plus strand (G>A on the coding strand, the complement: DST is on the minus strand). VCF-style: chr6-56618195-C-T. GRCh37 (hg19) VCF-style: chr6-56482993-C-T.
Other names: c.4831-3711G>A (NM_001144769.5); c.4930-3711G>A (NM_001374722.1, NM_001374736.1); c.4957-3711G>A (NM_001374734.1); c.4417-3711G>A (NM_001144770.2); c.4297-3711G>A (NM_001374730.1, NM_001386100.1, NM_183380.4 and 1 more transcripts); c.3319-3711G>A (NM_015548.5); c.5839G>A (NM_001723.5); short protein forms E1947K.
Identifiers: ClinVar variation 1394136 (VCV001394136.8), dbSNP rs202086197, ClinGen allele CA3870293.
Genomic context (GRCh38, chr6:56,618,195, plus strand): 5'-GTAACTCGGTGCTTGTCTGAGAAAAGTACTCAGAGTAACACTGCTGGCTTTTCTCTTTCT[C>T]GAGTGGAGCCCCTGGTGGCTGGAATTGGACTTCTTTGGGTATCTGTTCAACAACCCGATG-3'
Protein context (NP_001714.1, residues 1937-1957): VQFQPPGAPL[Glu1947Lys]KEKSQQCYSE

ClinVar aggregate classification (germline): Uncertain significance. Review status: criteria provided, multiple submitters, no conflicts (2 of 4 stars). 2 submissions from 2 submitters: Uncertain significance (2). Last evaluated 2025-06-06.

Conditions:
Epidermolysis bullosa simplex 3, localized or generalized intermediate, with BP230 deficiency (EBS3). Also called: Epidermolysis bullosa simplex, autosomal recessive 2; Epidermolysis bullosa simplex due to BP230 deficiency. Identifiers: Orphanet 412181, MedGen C3809470, MONDO:0014180, OMIM 615425.
Hereditary sensory and autonomic neuropathy type 6. Also called: HSAN VI; Neuropathy, hereditary sensory and autonomic, type VI. Identifiers: Orphanet 314381, MedGen C3539003, MONDO:0013839, OMIM 614653.

Allele frequency attached by ClinVar (database versions not stated): ExAC 0.00001; gnomAD exomes 0.00002; gnomAD 0.00004.
gnomAD v4.1: 29 of 1,614,092 alleles (0.0018%); highest among the groups gnomAD compares: African/African-American, 0.008%; no homozygotes.

Submissions (2):

GeneDx
Classification: Uncertain significance. Last evaluated: 2025-06-06. Review status: criteria provided, single submitter. Criteria: GeneDx Variant Classification Process June 2021. Collection method: clinical testing. Allele origin: germline. Affected: yes.
Comment: In silico analysis suggests that this missense variant does not alter protein structure/function; Has not been previously published as pathogenic or benign to our knowledge; Reported using the transcript encoding the epithelial isoform of the gene

Labcorp Genetics (formerly Invitae), Labcorp
Classification: Uncertain significance for Epidermolysis bullosa simplex 3, localized or generalized intermediate, with BP230 deficiency; Hereditary sensory and autonomic neuropathy type 6. Last evaluated: 2024-06-10. Review status: criteria provided, single submitter. Criteria: Invitae Variant Classification Sherloc (09022015). Collection method: clinical testing. Allele origin: germline.
Comment: This sequence change replaces glutamic acid, which is acidic and polar, with lysine, which is basic and polar, at codon 1947 of the DST protein (p.Glu1947Lys). This variant is present in population databases (rs202086197, gnomAD 0.01%). This variant has not been reported in the literature in individuals affected with DST-related conditions. ClinVar contains an entry for this variant (Variation ID: 1394136). An algorithm developed to predict the effect of missense changes on protein structure and function (PolyPhen-2) suggests that this variant is likely to be tolerated. In summary, the available evidence is currently insufficient to determine the role of this variant in disease. Therefore, it has been classified as a Variant of Uncertain Significance.